The following is an entry in ClinVar:

NM_172362.3(KCNH1):c.532G>A (p.Val178Ile)

Gene: KCNH1 (potassium voltage-gated channel subfamily H member 1; minus strand). Cytogenetic location: 1q32.2.
Variant type: single nucleotide variant.
Coding change: c.532G>A on transcript NM_172362.3 (MANE Select); coding-DNA position 532, G replaced by A.
Protein change: p.Val178Ile; replaces valine 178 with isoleucine.
Molecular consequence: missense variant.
Genome position (GRCh38, 1-based): chr1:211,082,806, C>T on the plus strand (G>A on the coding strand, the complement: KCNH1 is on the minus strand). VCF-style: chr1-211082806-C-T. GRCh37 (hg19) VCF-style: chr1-211256148-C-T.
Other names: c.532G>A, p.Val178Ile (NM_002238.4); short protein forms V178I.
Identifiers: ClinVar variation 1312106 (VCV001312106.2), dbSNP rs769228266, ClinGen allele CA344874983.

ClinVar aggregate classification (germline): Uncertain significance (1 of 4 stars; one submission).

Submission:

GeneDx
Classification: Uncertain significance. Last evaluated: 2019-09-09. Review status: criteria provided, single submitter. Criteria: GeneDx Variant Classification Process June 2021. Collection method: clinical testing. Allele origin: germline. Affected: yes.
Comment: Not observed in large population cohorts (Lek et al., 2016); In silico analysis, which includes protein predictors and evolutionary conservation, supports that this variant does not alter protein structure/function; Has not been previously published as pathogenic or benign to our knowledge